The following is an entry in ClinVar:

ClinVar aggregate classification (germline): Conflicting classifications of pathogenicity. Review status: criteria provided, conflicting classifications (1 of 4 stars). 3 submissions from 3 submitters: Pathogenic (1); Uncertain significance (1). 1 of the submissions does not count toward it. Last evaluated 2024-03-05.

Conditions:
Neurodevelopmental disorder with microcephaly and dysmorphic facies. Also called: Nabais Sa-de Vries syndrome, type 1. Identifiers: Orphanet 662179, MedGen C5394218, MONDO:0032942, OMIM 618828.
Prostate cancer. Also called: Malignant tumor of prostate. Identifiers: Orphanet 1331, MedGen C0376358, MONDO:0008315, HP:0012125.

Submissions (3):

GeneDx
Classification: Uncertain significance. Last evaluated: 2024-03-05. Review status: criteria provided, single submitter. Criteria: GeneDx Variant Classification Process June 2021. Collection method: clinical testing. Allele origin: germline. Affected: yes.
Comment: Identified de novo in an patient from a cohort of individuals with autism spectrum disorder, however detailed clinical information was not provided (PMID: 35982160); Not observed at significant frequency in large population cohorts (gnomAD); In silico analysis supports that this missense variant has a deleterious effect on protein structure/function; This variant is associated with the following publications: (PMID: 35982160)

Laboratory of Medical Genetics, University of Torino
Classification: Pathogenic for Neurodevelopmental disorder with microcephaly and dysmorphic facies. Last evaluated: 2022-11-29. Review status: criteria provided, single submitter. Criteria: ACMG Guidelines, 2015. Collection method: research. Allele origin: germline. Affected: yes. Study: NeuroWES.

Laboratory of Virology, Microbiology,  Quality and Medical Biotechnologies, Faculty of Sciences and Techniques - Mohammedia, Hassan II University of Casablanca
Classification: Uncertain significance for Malignant tumor of prostate. Review status: no assertion criteria provided. Collection method: clinical testing. Allele origin: somatic. Affected: yes. Not counted in ClinVar's aggregate classification.

NM_001007228.2(SPOP):c.478G>A (p.Glu160Lys)

Gene: SPOP (speckle type BTB/POZ protein; minus strand). Cytogenetic location: 17q21.33.
Variant type: single nucleotide variant.
Coding change: c.478G>A on transcript NM_001007228.2 (MANE Select); coding-DNA position 478, G replaced by A.
Protein change: p.Glu160Lys; replaces glutamic acid 160 with lysine.
Molecular consequence: missense variant.
Genome position (GRCh38, 1-based): chr17:49,618,983, C>T on the plus strand (G>A on the coding strand, the complement: SPOP is on the minus strand). VCF-style: chr17-49618983-C-T. GRCh37 (hg19) VCF-style: chr17-47696345-C-T.
Other names: c.478G>A, p.Glu160Lys (NM_001007226.1, NM_001007227.1, NM_001007229.1 and 5 more transcripts); short protein forms E160K.
Identifiers: ClinVar variation 694199 (VCV000694199.5), dbSNP rs2072151207, ClinGen allele CA400156505.